The following is an entry in ClinVar:

NM_017633.3(TENT5A):c.552G>A (p.Lys184=)

Gene: TENT5A (terminal nucleotidyltransferase 5A; minus strand). Cytogenetic location: 6q14.1.
Variant type: single nucleotide variant.
Coding change: c.552G>A on transcript NM_017633.3 (MANE Select); coding-DNA position 552, G replaced by A.
Protein change: p.Lys184=; no amino-acid change (lysine 184 retained).
Molecular consequence: synonymous variant.
Genome position (GRCh38, 1-based): chr6:81,751,590, C>T on the plus strand (G>A on the coding strand, the complement: TENT5A is on the minus strand). VCF-style: chr6-81751590-C-T. GRCh37 (hg19) VCF-style: chr6-82461307-C-T.
Identifiers: ClinVar variation 3699881 (VCV003699881.2).

ClinVar aggregate classification (germline): Uncertain significance (1 of 4 stars; one submission).

gnomAD v4.1: 3 of 1,602,702 alleles (0.00019%); highest among the groups gnomAD compares: Non-Finnish European, 0.00026%; no homozygotes.

Submission:

Labcorp Genetics (formerly Invitae), Labcorp
Classification: Uncertain significance. Last evaluated: 2024-07-17. Review status: criteria provided, single submitter. Criteria: Invitae Variant Classification Sherloc (09022015). Collection method: clinical testing. Allele origin: germline.
Comment: This sequence change affects codon 184 of the FAM46A mRNA. It is a 'silent' change, meaning that it does not change the encoded amino acid sequence of the FAM46A protein. This variant also falls at the last nucleotide of exon 2, which is part of the consensus splice site for this exon. This variant is not present in population databases (gnomAD no frequency). This variant has not been reported in the literature in individuals affected with FAM46A-related conditions. Variants that disrupt the consensus splice site are a relatively common cause of aberrant splicing (PMID: 17576681, 9536098). Algorithms developed to predict the effect of sequence changes on RNA splicing suggest that this variant may disrupt the consensus splice site. In summary, the available evidence is currently insufficient to determine the role of this variant in disease. Therefore, it has been classified as a Variant of Uncertain Significance.

Literature cited by the submitters: PubMed 17576681; PubMed 9536098.